The following is an entry in ClinVar:

NM_030962.4(SBF2):c.3256+245T>G

Genes: SBF2 (SET binding factor 2; minus strand), LOC101928008 (uncharacterized LOC101928008; plus strand). Cytogenetic location: 11p15.4.
Variant type: single nucleotide variant.
Coding change: c.3256+245T>G on transcript NM_030962.4 (MANE Select); 245 bases into the intron after coding-DNA position 3256, T replaced by G.
Molecular consequence: intron variant.
Genome position (GRCh38, 1-based): chr11:9,842,380, A>C on the plus strand (T>G on the coding strand, the complement: SBF2 is on the minus strand). VCF-style: chr11-9842380-A-C. GRCh37 (hg19) VCF-style: chr11-9863927-A-C.
Other names: c.3127+245T>G (NM_001386342.1); c.3256+245T>G (NM_001386339.1).
Identifiers: ClinVar variation 669259 (VCV000669259.1), dbSNP rs9645624, ClinGen allele CA217617889.

ClinVar aggregate classification (germline): Benign (1 of 4 stars; one submission).

Allele frequency attached by ClinVar (database versions not stated): 1000 Genomes Project 0.67672; 1000 Genomes Project 30x 0.68192; TOPMed 0.80539; gnomAD 0.82414 and 0.83380.
gnomAD v4.1: 125,362 of 152,064 alleles (82%); highest among the groups gnomAD compares: Non-Finnish European, 89%; 52,685 homozygotes.

Submission:

GeneDx
Classification: Benign. Last evaluated: 2018-06-14. Review status: criteria provided, single submitter. Criteria: GeneDx Variant Classification (06012015). Collection method: clinical testing. Allele origin: germline. Affected: yes.
Comment: This variant is considered likely benign or benign based on one or more of the following criteria: it is a conservative change, it occurs at a poorly conserved position in the protein, it is predicted to be benign by multiple in silico algorithms, and/or has population frequency not consistent with disease.